The following is an entry in ClinVar:

NM_004252.5(NHERF1):c.609C>T (p.Asn203=)

Gene: NHERF1 (NHERF family PDZ scaffold protein 1; plus strand). Cytogenetic location: 17q25.1.
Variant type: single nucleotide variant.
Coding change: c.609C>T on transcript NM_004252.5 (MANE Select); coding-DNA position 609, C replaced by T.
Protein change: p.Asn203=; no amino-acid change (asparagine 203 retained).
Molecular consequence: synonymous variant.
Genome position (GRCh38, 1-based): chr17:74,763,372, C>T. VCF-style: chr17-74763372-C-T. GRCh37 (hg19) VCF-style: chr17-72759511-C-T.
Other names: c.609C>T (NM_004252.4).
Identifiers: ClinVar variation 3027122 (VCV003027122.23), dbSNP rs943914689, ClinGen allele CA293941644.

ClinVar aggregate classification (germline): Likely benign. Review status: criteria provided, multiple submitters, no conflicts (2 of 4 stars). 2 submissions from 2 submitters: Likely benign (2). Last evaluated 2026-09-02.

Conditions:
NHERF1-related disorder. Also called: NHERF1-related condition.

Allele frequency attached by ClinVar (database versions not stated): gnomAD exomes 0.00001; gnomAD 0.00002; TOPMed 0.00003.
gnomAD v4.1: 7 of 1,613,140 alleles (0.00043%); highest among the groups gnomAD compares: African/African-American, 0.0067%; no homozygotes.

Submissions (2):

PreventionGenetics, part of Exact Sciences
Classification: Likely benign for NHERF1-related condition. Last evaluated: 2026-09-02. Review status: criteria provided, single submitter. Criteria: ACMG Guidelines, 2015. Collection method: clinical testing. Allele origin: germline.
Comment: This variant is classified as likely benign based on ACMG/AMP sequence variant interpretation guidelines (Richards et al. 2015 PMID: 25741868, with internal and published modifications).

CeGaT Center for Human Genetics Tuebingen
Classification: Likely benign. Last evaluated: 2024-02-01. Review status: criteria provided, single submitter. Criteria: CeGaT Center For Human Genetics Tuebingen Variant Classification Criteria Version 2. Collection method: clinical testing. Allele origin: germline. Affected: yes. Observed: 1 variant allele.
Comment: NHERF1: BP4, BP7